The following is an entry in ClinVar:

ClinVar aggregate classification (germline): Likely benign (1 of 4 stars; one submission).

Allele frequency attached by ClinVar (database versions not stated): ExAC 0.00019; ESP Exome Variant Server 0.00023; gnomAD 0.00037; TOPMed 0.00043; 1000 Genomes Project 30x 0.00125; 1000 Genomes Project 0.00140.
gnomAD v4.1: 203 of 1,589,610 alleles (0.013%); highest among the groups gnomAD compares: African/African-American, 0.096%; no homozygotes.

Submission:

CeGaT Center for Human Genetics Tuebingen
Classification: Likely benign. Last evaluated: 2022-05-01. Review status: criteria provided, single submitter. Criteria: CeGaT Center For Human Genetics Tuebingen Variant Classification Criteria Version 2. Collection method: clinical testing. Allele origin: germline. Affected: yes. Observed: 1 variant allele.
Comment: ABCG1: BP4, BP7

NM_016818.3(ABCG1):c.1224G>A (p.Ser408=)

Gene: ABCG1 (ATP binding cassette subfamily G member 1; plus strand). Cytogenetic location: 21q22.3.
Variant type: single nucleotide variant.
Coding change: c.1224G>A on transcript NM_016818.3 (MANE Select); coding-DNA position 1224, G replaced by A.
Protein change: p.Ser408=; no amino-acid change (serine 408 retained).
Molecular consequence: synonymous variant.
Genome position (GRCh38, 1-based): chr21:42,288,312, G>A. VCF-style: chr21-42288312-G-A. GRCh37 (hg19) VCF-style: chr21-43708422-G-A.
Other names: c.1260G>A, p.Ser420= (NM_004915.4); c.1257G>A, p.Ser419= (NM_207174.1); c.1230G>A, p.Ser410= (NM_207627.2); c.1158G>A, p.Ser386= (NM_207628.1); c.1215G>A, p.Ser405= (NM_207629.2).
Identifiers: ClinVar variation 2652705 (VCV002652705.24), dbSNP rs141061143, ClinGen allele CA10041356.